The following is an entry in ClinVar:

NM_003803.4(MYOM1):c.4679G>C (p.Arg1560Thr)

Gene: MYOM1 (myomesin 1; minus strand). Cytogenetic location: 18p11.31.
Variant type: single nucleotide variant.
Coding change: c.4679G>C on transcript NM_003803.4 (MANE Select); coding-DNA position 4679, G replaced by C.
Protein change: p.Arg1560Thr; replaces arginine 1560 with threonine.
Molecular consequence: missense variant.
Genome position (GRCh38, 1-based): chr18:3,075,731, C>G on the plus strand (G>C on the coding strand, the complement: MYOM1 is on the minus strand). VCF-style: chr18-3075731-C-G. GRCh37 (hg19) VCF-style: chr18-3075729-C-G.
Other names: c.4391G>C, p.Arg1464Thr (NM_019856.2); short protein forms R1464T, R1560T.
Identifiers: ClinVar variation 1742368 (VCV001742368.2), dbSNP rs1342151192, ClinGen allele CA401707503.

ClinVar aggregate classification (germline): Uncertain significance (1 of 4 stars; one submission).

gnomAD v4.1: 9 of 1,600,630 alleles (0.00056%); highest among the groups gnomAD compares: Non-Finnish European, 0.00077%; no homozygotes.

Submission:

Ambry Genetics
Classification: Uncertain significance. Last evaluated: 2021-11-04. Review status: criteria provided, single submitter. Criteria: Ambry Variant Classification Scheme 2023. Collection method: clinical testing. Allele origin: germline.
Comment: The p.R1560T variant (also known as c.4679G>C), located in coding exon 34 of the MYOM1 gene, results from a G to C substitution at nucleotide position 4679. The arginine at codon 1560 is replaced by threonine, an amino acid with similar properties. This amino acid position is conserved. In addition, this alteration is predicted to be deleterious by in silico analysis. Since supporting evidence is limited at this time, the clinical significance of this alteration remains unclear.